The following is an entry in ClinVar:

NM_001374385.1(ATP8B1):c.1498T>C (p.Tyr500His)

Gene: ATP8B1 (ATPase phospholipid transporting 8B1; minus strand). Cytogenetic location: 18q21.31.
Variant type: single nucleotide variant.
Coding change: c.1498T>C on transcript NM_001374385.1 (MANE Select); coding-DNA position 1498, T replaced by C.
Protein change: p.Tyr500His; replaces tyrosine 500 with histidine.
Molecular consequence: missense variant.
Genome position (GRCh38, 1-based): chr18:57,684,168, A>G on the plus strand (T>C on the coding strand, the complement: ATP8B1 is on the minus strand). VCF-style: chr18-57684168-A-G. GRCh37 (hg19) VCF-style: chr18-55351400-A-G.
Other names: c.1348T>C, p.Tyr450His (NM_001374386.1); c.1498T>C, p.Tyr500His (NM_005603.6); short protein forms Y500H, Y450H.
Identifiers: ClinVar variation 282576 (VCV000282576.15), dbSNP rs147642236, ClinGen allele CA8974542.

ClinVar aggregate classification (germline): Uncertain significance. Review status: criteria provided, multiple submitters, no conflicts (2 of 4 stars). 7 submissions from 7 submitters: Uncertain significance (7). Last evaluated 2026-04-14.

Conditions:
Familial intrahepatic cholestasis. Identifiers: Orphanet 284385, MedGen CN296401, MONDO:0017290.
ATP8B1-related disorder. Also called: ATP8B1-related condition; ATP8B1-related disorders.
Progressive familial intrahepatic cholestasis type 1. Also called: BYLER DISEASE; Severe ATP8B1 Deficiency (Progressive Familial Intrahepatic Cholestasis Type 1 [PFIC1]); Byler's disease. Identifiers: Orphanet 79306, MedGen C4551898, MONDO:0008892, OMIM 211600.

Allele frequency attached by ClinVar (database versions not stated): ExAC 0.00030; ESP Exome Variant Server 0.00031; TOPMed 0.00045; gnomAD 0.00059 and 0.00063; gnomAD exomes 0.00069.
gnomAD v4.1: 1,073 of 1,614,062 alleles (0.066%); highest among the groups gnomAD compares: Admixed American, 0.13%; 3 homozygotes.

Submissions (7):

Genomenon, Inc
Classification: Uncertain significance for Familial intrahepatic cholestasis. Last evaluated: 2026-04-14. Review status: criteria provided, single submitter. Criteria: Genomenon Sequence Variant Interpretation Standards - Updated. Collection method: curation. Allele origin: germline. Affected: yes.
Comment: ATP8B1 p.Tyr500His (c.1498T>C) is a missense variant that changes the amino acid at residue 500 from Tyrosine to Histidine. This variant has been observed in at least one proband with features of ATP8B1-deficiency (PMID:15239083). In conclusion, we classify ATP8B1 p.Tyr500His (c.1498T>C) as a variant of uncertain significance.

PreventionGenetics, part of Exact Sciences
Classification: Uncertain significance for ATP8B1-related condition. Last evaluated: 2026-02-05. Review status: criteria provided, single submitter. Criteria: ACMG Guidelines, 2015. Collection method: clinical testing. Allele origin: germline.
Comment: The ATP8B1 c.1498T>C variant is predicted to result in the amino acid substitution p.Tyr500His. This variant was reported in individuals with chronic pancreatitis, though it was also found in healthy controls (van der Woerd et al. 2013. PubMed ID: 24260417). In addition, this variant was also reported in an individual with progressive familial intrahepatic cholestasis, though a second potentially causative variant was not identified (Klomp et al. 2004. PubMed ID: 15239083). This variant is reported in 0.073% of alleles in individuals of Latino descent in gnomAD. At this time, the clinical significance of this variant is uncertain due to the absence of conclusive functional and genetic evidence.

Women's Health and Genetics/Laboratory Corporation of America, LabCorp
Classification: Uncertain significance. Last evaluated: 2023-07-28. Review status: criteria provided, single submitter. Criteria: LabCorp Variant Classification Summary - May 2015. Collection method: clinical testing. Allele origin: germline.
Comment: Variant summary: ATP8B1 c.1498T>C (p.Tyr500His) results in a conservative amino acid change located in the haloacid dehalogenase domain (IPR044492) of the encoded protein sequence. Four of five in-silico tools predict a benign effect of the variant on protein function. The variant allele was found at a frequency of 0.00038 in 251236 control chromosomes (gnomAD). This frequency is not significantly higher than estimated for a pathogenic variant in ATP8B1 causing Familial Intrahepatic Cholestasis (0.00038 vs 0.0022), allowing no conclusion about variant significance. c.1498T>C has been reported in the literature as a heterozygous genotype in an individual affected with Familial Intrahepatic Cholestasis (Klomp_2004). This report does not provide unequivocal conclusions about association of the variant with Familial Intrahepatic Cholestasis. To our knowledge, no experimental evidence demonstrating an impact on protein function has been reported. The following publications have been ascertained in the context of this evaluation (PMID: 15239083, 24260417). Two submitters have cited clinical-significance assessments for this variant to ClinVar after 2014. All submitters classified the variant as uncertain significance. Based on the evidence outlined above, the variant was classified as uncertain significance.

Mayo Clinic Laboratories, Mayo Clinic
Classification: Uncertain significance. Last evaluated: 2022-01-28. Review status: criteria provided, single submitter. Criteria: ACMG Guidelines, 2015. Collection method: clinical testing. Allele origin: germline. Observed: 1 variant allele.

Eurofins Ntd Llc (ga)
Classification: Uncertain significance. Last evaluated: 2018-06-14. Review status: criteria provided, single submitter. Criteria: EGL ClinVar v180209 classification definitions. Collection method: clinical testing. Allele origin: germline. Observed: 9 variant alleles, 9 heterozygotes.

Illumina Laboratory Services, Illumina
Classification: Uncertain significance for Progressive familial intrahepatic cholestasis type 1. Last evaluated: 2017-12-18. Review status: criteria provided, single submitter. Criteria: ICSL Variant Classification Criteria 13 December 2019. Collection method: clinical testing. Allele origin: germline.
Comment: This variant was observed as part of a predisposition screen in an ostensibly healthy population. A literature search was performed for the gene, cDNA change, and amino acid change (where applicable). Publications were found based on this search. However, the evidence from the literature, in combination with allele frequency data from public databases where available, was not sufficient to rule this variant in or out of causing disease. Therefore, this variant is classified as a variant of unknown significance.

Breakthrough Genomics
Classification: Uncertain significance. Review status: criteria provided, single submitter. Criteria: ACMG Guidelines, 2015. Collection method: not provided. Allele origin: germline. Inheritance: Autosomal recessive inheritance. Affected: yes.

Literature cited by the submitters: PubMed 15239083 (cited by 4 submitters); PubMed 24260417 (cited by 3 submitters); PubMed 31555573 (cited by Mayo Clinic Laboratories, Mayo Clinic).